The following is an entry in ClinVar:

NM_030665.4(RAI1):c.153T>A (p.Tyr51Ter)

Gene: RAI1 (retinoic acid induced 1; plus strand). Cytogenetic location: 17p11.2.
Variant type: single nucleotide variant.
Coding change: c.153T>A on transcript NM_030665.4 (MANE Select); coding-DNA position 153, T replaced by A.
Protein change: p.Tyr51Ter; replaces tyrosine 51 with a stop codon.
Molecular consequence: nonsense.
Genome position (GRCh38, 1-based): chr17:17,793,101, T>A. VCF-style: chr17-17793101-T-A. GRCh37 (hg19) VCF-style: chr17-17696415-T-A.
Other names: short protein forms Y51*.
Identifiers: ClinVar variation 986016 (VCV000986016.4), dbSNP rs961308480, ClinGen allele CA398544863.
Genomic context (GRCh38, chr17:17,793,101, plus strand): 5'-GCAGCCGAGTCAGGCCGGGCTAAGCTGCGACCGGCAGCGGCTGCTCGCCAAGGACTATTA[T>A]AACCCGCAGCCTTACCCGAGCTATGAGGGTGGCGCTGGCACGCCCTCTGGCACTGCAGCC-3'

ClinVar aggregate classification (germline): Pathogenic (1 of 4 stars; one submission).

Conditions:
Inborn genetic diseases. Identifiers: MedGen C0950123, MeSH D030342.

Submission:

Ambry Genetics
Classification: Pathogenic for Inborn genetic diseases. Last evaluated: 2020-01-14. Review status: criteria provided, single submitter. Criteria: Ambry Variant Classification Scheme 2023. Collection method: clinical testing. Allele origin: germline.
Comment: The alteration results in a premature stop codon: _x000D_ _x000D_ The c.153T>A (p.Y51*) alteration, located in exon 3 (coding exon 1) of the RAI1 gene, results from a T to A substitution at nucleotide position 153. This changes the amino acid from a tyrosine (Y) to a stop codon at amino acid position 51. This alteration is expected to result in loss of function by premature protein truncation or nonsense-mediated mRNA decay. The alteration is not observed in population databases: _x000D_ _x000D_ Based on data from the Genome Aggregation Database (gnomAD), the RAI1 c.153T>A alteration was not observed, with coverage at this position. Based on the available evidence, this alteration is classified as pathogenic.